The following is an entry in ClinVar:

NM_002539.3(ODC1):c.1329G>A (p.Trp443Ter)

Gene: ODC1 (ornithine decarboxylase 1; minus strand). Cytogenetic location: 2p25.1.
Variant type: single nucleotide variant.
Coding change: c.1329G>A on transcript NM_002539.3 (MANE Select); coding-DNA position 1329, G replaced by A.
Protein change: p.Trp443Ter; replaces tryptophan 443 with a stop codon.
Molecular consequence: nonsense.
Genome position (GRCh38, 1-based): chr2:10,440,781, C>T on the plus strand (G>A on the coding strand, the complement: ODC1 is on the minus strand). VCF-style: chr2-10440781-C-T. GRCh37 (hg19) VCF-style: chr2-10580907-C-T.
Other names: c.942G>A, p.Trp314Ter (NM_001287188.2); c.1329G>A, p.Trp443Ter (NM_001287189.2, NM_001287190.2); short protein forms W314*, W443*.
Identifiers: ClinVar variation 3776026 (VCV003776026.1).

ClinVar aggregate classification (germline): Likely pathogenic (1 of 4 stars; one submission).

Conditions:
Neurodevelopmental disorder with alopecia and brain abnormalities. Also called: Bachmann-Bupp syndrome; Global developmental delay-alopecia-macrocephaly-facial dysmorphism-structural brain anomalies syndrome. Identifiers: Orphanet 544488, MedGen C5436741, MONDO:0033642, OMIM 619075.

Submission:

3billion
Classification: Likely pathogenic for Neurodevelopmental disorder with alopecia and brain abnormalities. Last evaluated: 2023-07-20. Review status: criteria provided, single submitter. Criteria: ACMG Guidelines, 2015. Collection method: clinical testing. Allele origin: germline. Affected: yes.
Comment: The variant is not observed in the gnomAD v2.1.1 dataset. Predicted Consequence/Location: Stop-gained (nonsense): predicted to result in a loss or disruption of normal protein function through protein truncation. Multiple pathogenic variants are reported in the predicted truncated region. Therefore, this variant is classified as Likely pathogenic according to the recommendation of ACMG/AMP guideline.